The following is an entry in ClinVar:

ClinVar aggregate classification (germline): Uncertain significance (1 of 4 stars; one submission).

Submission:

Labcorp Genetics (formerly Invitae), Labcorp
Classification: Uncertain significance. Last evaluated: 2023-11-07. Review status: criteria provided, single submitter. Criteria: Invitae Variant Classification Sherloc (09022015). Collection method: clinical testing. Allele origin: unknown.
Comment: This variant is a gross deletion of the genomic region encompassing exon(s) 4 of the COX10 gene. This deletion is out-of-frame, and is expected to create a premature translational stop signal and result in an absent or disrupted protein product. However, the current clinical and genetic evidence is not sufficient to establish whether loss-of-function variants in COX10 cause disease. This variant has not been reported in the literature in individuals affected with COX10-related conditions. In summary, the available evidence is currently insufficient to determine the role of this variant in disease. Therefore, it has been classified as a Variant of Uncertain Significance.

NC_000017.10:g.(?_14005415)_(14005579_?)del

Gene: COX10 (cytochrome c oxidase assembly factor heme A:farnesyltransferase COX10; plus strand). Cytogenetic location: 17p12.
Variant type: Deletion.
Identifiers: ClinVar variation 3243145 (VCV003243145.1).